The following is an entry in ClinVar:

ClinVar aggregate classification (germline): Uncertain significance (1 of 4 stars; one submission).

Submission:

Labcorp Genetics (formerly Invitae), Labcorp
Classification: Uncertain significance. Last evaluated: 2025-03-04. Review status: criteria provided, single submitter. Criteria: Invitae Variant Classification Sherloc (09022015). Collection method: clinical testing. Allele origin: germline.
Comment: This sequence change replaces threonine, which is neutral and polar, with isoleucine, which is neutral and non-polar, at codon 288 of the SLC10A2 protein (p.Thr288Ile). The frequency data for this variant in the population databases is considered unreliable, as metrics indicate poor data quality at this position in the gnomAD database. This variant has not been reported in the literature in individuals affected with SLC10A2-related conditions. Invitae Evidence Modeling of protein sequence and biophysical properties (such as structural, functional, and spatial information, amino acid conservation, physicochemical variation, residue mobility, and thermodynamic stability) indicates that this missense variant is not expected to disrupt SLC10A2 protein function with a negative predictive value of 80%. In summary, the available evidence is currently insufficient to determine the role of this variant in disease. Therefore, it has been classified as a Variant of Uncertain Significance.

NM_000452.3(SLC10A2):c.863C>T (p.Thr288Ile)

Gene: SLC10A2 (solute carrier family 10 member 2; minus strand). Cytogenetic location: 13q33.1.
Variant type: single nucleotide variant.
Coding change: c.863C>T on transcript NM_000452.3 (MANE Select); coding-DNA position 863, C replaced by T.
Protein change: p.Thr288Ile; replaces threonine 288 with isoleucine.
Molecular consequence: missense variant.
Genome position (GRCh38, 1-based): chr13:103,049,345, G>A on the plus strand (C>T on the coding strand, the complement: SLC10A2 is on the minus strand). VCF-style: chr13-103049345-G-A. GRCh37 (hg19) VCF-style: chr13-103701695-G-A.
Other names: short protein forms T288I.
Identifiers: ClinVar variation 3685197 (VCV003685197.2).